The following is an entry in ClinVar:

ClinVar aggregate classification (germline): Conflicting classifications of pathogenicity. Review status: criteria provided, conflicting classifications (1 of 4 stars). 6 submissions from 6 submitters: Uncertain significance (4); Likely benign (2). Last evaluated 2025-07-29.

Conditions:
Hereditary cancer-predisposing syndrome. Also called: Tumor predisposition; Hereditary Cancer Syndrome; Hereditary neoplastic syndrome; Neoplastic Syndromes, Hereditary. Identifiers: Orphanet 140162, MedGen C0027672, MeSH D009386, MONDO:0015356.
Hereditary breast ovarian cancer syndrome. Also called: Breast and ovarian cancer; Hereditary breast and/or ovarian cancer syndrome; BRCA1- and BRCA2-Associated Hereditary Breast and Ovarian Cancer; Hereditary breast and ovarian cancer syndrome; Hereditary breast and ovarian cancer syndrome (HBOC); Hereditary breast and ovarian cancer. Identifiers: Orphanet 145, MedGen C0677776, MeSH D061325, MONDO:0003582. Disease mechanism: loss of function.
Breast-ovarian cancer, familial, susceptibility to, 1 (BROVCA1). Also called: BRCA1 Hereditary Breast and Ovarian Cancer; OVARIAN CANCER, SUSCEPTIBILITY TO. Identifiers: Orphanet 145, MedGen C2676676, MONDO:0011450, OMIM 604370. Disease mechanism: loss of function.

Allele frequency attached by ClinVar (database versions not stated): gnomAD exomes 0.00001.
gnomAD v4.1: 5 of 1,613,990 alleles (0.00031%); highest among the groups gnomAD compares: Non-Finnish European, 0.00042%; no homozygotes.

Submissions (6):

Labcorp Genetics (formerly Invitae), Labcorp
Classification: Uncertain significance for Hereditary breast ovarian cancer syndrome. Last evaluated: 2025-07-29. Review status: criteria provided, single submitter. Criteria: Invitae Variant Classification Sherloc (09022015). Collection method: clinical testing. Allele origin: germline.
Comment: This sequence change replaces lysine, which is basic and polar, with glutamine, which is neutral and polar, at codon 912 of the BRCA1 protein (p.Lys912Gln). This variant is not present in population databases (gnomAD no frequency). This missense change has been observed in individual(s) with endometrial carcinoma (PMID: 22811390). ClinVar contains an entry for this variant (Variation ID: 531231). Invitae Evidence Modeling of protein sequence and biophysical properties (such as structural, functional, and spatial information, amino acid conservation, physicochemical variation, residue mobility, and thermodynamic stability) indicates that this missense variant is not expected to disrupt BRCA1 protein function with a negative predictive value of 80%. In summary, the available evidence is currently insufficient to determine the role of this variant in disease. Therefore, it has been classified as a Variant of Uncertain Significance.

Quest Diagnostics Nichols Institute San Juan Capistrano
Classification: Uncertain significance. Last evaluated: 2025-03-20. Review status: criteria provided, single submitter. Criteria: Quest Diagnostics criteria. Collection method: clinical testing. Allele origin: unknown.
Comment: The BRCA1 c.2734A>C (p.Lys912Gln) variant has been reported in the published literature in an individual with uterine serous carcinoma (PMID: 22811390 (2013)). Additionally, the variant is located in a region of the BRCA gene that is tolerant to missense sequence changes (PMID: 31911673 (2020)). This variant has not been reported in large, multi-ethnic general populations (Genome Aggregation Database). Analysis of this variant using bioinformatics tools for the prediction of the effect of amino acid changes on protein structure and function yielded predictions that this variant is benign. Based on the available information, we are unable to determine the clinical significance of this variant.

Color Diagnostics, LLC DBA Color Health
Classification: Uncertain significance for Hereditary cancer-predisposing syndrome. Last evaluated: 2025-02-19. Review status: criteria provided, single submitter. Criteria: ACMG Guidelines, 2015. Collection method: clinical testing. Allele origin: germline.
Comment: This missense variant replaces lysine with glutamine at codon 912 of the BRCA1 protein. Computational prediction suggests that this variant may not impact protein structure and function. To our knowledge, functional studies have not been reported for this variant. This variant has been reported in an individual affected with endometrial cancer (PMID: 22811390). This variant has not been identified in the general population by the Genome Aggregation Database (gnomAD). The available evidence is insufficient to determine the role of this variant in disease conclusively. Therefore, this variant is classified as a Variant of Uncertain Significance.

Myriad Genetics, Inc.
Classification: Likely benign for Breast-ovarian cancer, familial, susceptibility to, 1. Last evaluated: 2024-07-16. Review status: criteria provided, single submitter. Criteria: Myriad Autosomal Dominant, Autosomal Recessive and X-Linked Classification Criteria (2023). Collection method: clinical testing. Allele origin: unknown.
Comment: This variant is considered likely benign. This variant is strongly associated with less severe personal and family histories of cancer, typical for individuals without pathogenic variants in this gene [PMID: 25085752].

Ambry Genetics
Classification: Uncertain significance for Hereditary cancer-predisposing syndrome. Last evaluated: 2024-02-25. Review status: criteria provided, single submitter. Criteria: Ambry Variant Classification Scheme 2023. Collection method: clinical testing. Allele origin: germline.
Comment: The p.K912Q variant (also known as c.2734A>C), located in coding exon 9 of the BRCA1 gene, results from an A to C substitution at nucleotide position 2734. The lysine at codon 912 is replaced by glutamine, an amino acid with similar properties. This variant has been detected in an individual with uterine serous carcinoma (Pennington KP et al. Cancer, 2013 Jan;119:332-8). This amino acid position is not well conserved in available vertebrate species. In addition, this alteration is predicted to be tolerated by in silico analysis. Since supporting evidence is limited at this time, the clinical significance of this alteration remains unclear.

University of Washington Department of Laboratory Medicine, University of Washington
Classification: Likely benign for Hereditary cancer-predisposing syndrome. Last evaluated: 2023-03-23. Review status: criteria provided, single submitter. Criteria: Dines et al. (Genet Med. 2020). Collection method: curation. Allele origin: germline.
Comment: Missense variant in a coldspot region where missense variants are very unlikely to be pathogenic (PMID:31911673).

BRCA1 coldspot (exon 11 using historical exon numbering). Reclassification based on statistical prior probability

Literature cited by the submitters: PubMed 22811390 (cited by 4 submitters); PubMed 31911673 (cited by Quest Diagnostics Nichols Institute San Juan Capistrano); PubMed 25085752 (cited by Myriad Genetics, Inc.).

NM_007294.4(BRCA1):c.2734A>C (p.Lys912Gln)

Gene: BRCA1 (BRCA1 DNA repair associated; minus strand). Cytogenetic location: 17q21.31.
Variant type: single nucleotide variant.
Coding change: c.2734A>C on transcript NM_007294.4 (MANE Select); coding-DNA position 2734, A replaced by C.
Protein change: p.Lys912Gln; replaces lysine 912 with glutamine.
Molecular consequence: missense variant. On other transcripts: intron variant (137).
Genome position (GRCh38, 1-based): chr17:43,092,797, T>G on the plus strand (A>C on the coding strand, the complement: BRCA1 is on the minus strand). VCF-style: chr17-43092797-T-G. GRCh37 (hg19) VCF-style: chr17-41244814-T-G.
Other names: c.2524A>C, p.Lys842Gln (NM_001407879.1, NM_001407881.1, NM_001407882.1 and 13 more transcripts); c.2521A>C, p.Lys841Gln (NM_001407915.1, NM_001407916.1, NM_001407917.1 and 9 more transcripts); c.2470A>C, p.Lys824Gln (NM_001407929.1, NM_001407933.1, NM_001407935.1 and 9 more transcripts); c.2467A>C, p.Lys823Gln (NM_001407930.1, NM_001407931.1, NM_001407932.1 and 2 more transcripts); c.2611A>C, p.Lys871Gln (NM_001407937.1, NM_001407674.1, NM_001407675.1 and 19 more transcripts); c.2401A>C, p.Lys801Gln (NM_001407948.1, NM_001407949.1, NM_001407950.1 and 6 more transcripts); c.2398A>C, p.Lys800Gln (NM_001407954.1, NM_001407955.1, NM_001407956.1 and 1 more transcripts); c.2593A>C, p.Lys865Gln (NM_007297.4, NM_001407692.1, NM_001407694.1 and 29 more transcripts); and 41 more; short protein forms K912Q, K865Q, K616Q, K801Q, K823Q, K911Q, K800Q, K824Q.
Identifiers: ClinVar variation 531231 (VCV000531231.17), dbSNP rs1555589048, ClinGen allele CA10596524.